The following is an entry in ClinVar:

NM_000051.4(ATM):c.4570C>G (p.Leu1524Val)

Gene: ATM (ATM serine/threonine kinase; plus strand). Cytogenetic location: 11q22.3.
Variant type: single nucleotide variant.
Coding change: c.4570C>G on transcript NM_000051.4 (MANE Select); coding-DNA position 4570, C replaced by G.
Protein change: p.Leu1524Val; replaces leucine 1524 with valine.
Molecular consequence: missense variant.
Genome position (GRCh38, 1-based): chr11:108,292,752, C>G. VCF-style: chr11-108292752-C-G. GRCh37 (hg19) VCF-style: chr11-108163479-C-G.
Other names: c.4570C>G, p.Leu1524Val (NM_001351834.2); short protein forms L1524V.
Identifiers: ClinVar variation 233272 (VCV000233272.15), dbSNP rs780603110, ClinGen allele CA10579154.

ClinVar aggregate classification (germline): Uncertain significance. Review status: criteria provided, multiple submitters, no conflicts (2 of 4 stars). 2 submissions from 2 submitters: Uncertain significance (2). Last evaluated 2023-04-06.

Conditions:
Hereditary cancer-predisposing syndrome. Also called: Tumor predisposition; Hereditary Cancer Syndrome; Hereditary neoplastic syndrome; Neoplastic Syndromes, Hereditary. Identifiers: Orphanet 140162, MedGen C0027672, MeSH D009386, MONDO:0015356.
Ataxia-telangiectasia syndrome (AT). Also called: Ataxia telangiectasia (A-T); LOUIS-BAR SYNDROME; Cerebello-oculocutaneous telangiectasia; Immunodeficiency with ataxia telangiectasia; ATAXIA-TELANGIECTASIA, COMPLEMENTATION GROUP A; ATAXIA-TELANGIECTASIA, FRESNO VARIANT. Identifiers: Orphanet 100, MedGen C0004135, MONDO:0008840, OMIM 208900.

Submissions (2):

Labcorp Genetics (formerly Invitae), Labcorp
Classification: Uncertain significance for Ataxia-telangiectasia syndrome. Last evaluated: 2023-04-06. Review status: criteria provided, single submitter. Criteria: Invitae Variant Classification Sherloc (09022015). Collection method: clinical testing. Allele origin: germline.
Comment: In summary, the available evidence is currently insufficient to determine the role of this variant in disease. Therefore, it has been classified as a Variant of Uncertain Significance. This sequence change replaces leucine, which is neutral and non-polar, with valine, which is neutral and non-polar, at codon 1524 of the ATM protein (p.Leu1524Val). This variant is not present in population databases (gnomAD no frequency). This variant has not been reported in the literature in individuals affected with ATM-related conditions. ClinVar contains an entry for this variant (Variation ID: 233272). An algorithm developed to predict the effect of missense changes on protein structure and function (PolyPhen-2) suggests that this variant is likely to be disruptive.

Ambry Genetics
Classification: Uncertain significance for Hereditary cancer-predisposing syndrome. Last evaluated: 2015-08-10. Review status: criteria provided, single submitter. Criteria: Ambry Variant Classification Scheme 2023. Collection method: clinical testing. Allele origin: germline.
Comment: The p.L1524V variant (also known as c.4570C>G), located in coding exon 29 of the ATM gene, results from a C to G substitution at nucleotide position 4570. The leucine at codon 1524 is replaced by valine, an amino acid with highly similar properties. This variant was not reported in population based cohorts in the following databases: Database of Single Nucleotide Polymorphisms (dbSNP), NHLBI Exome Sequencing Project (ESP), and 1000 Genomes Project. In the ESP, this variant was not observed in 6499 samples (12998 alleles) with coverage at this position. To date, this alteration has been detected with an allele frequency of approximately 0.002% (greater than 66000 alleles tested) in our clinical cohort. This amino acid position is well conserved in available vertebrate species. In addition, the in silico prediction for this alteration is inconclusive. Since supporting evidence is limited at this time, the clinical significance of p.L1524V remains unclear.